The following is an entry in ClinVar:

NM_198252.3(GSN):c.351+3G>A

Gene: GSN (gelsolin; plus strand). Cytogenetic location: 9q33.2.
Variant type: single nucleotide variant.
Coding change: c.351+3G>A on transcript NM_198252.3 (MANE Select); 3 bases into the intron after coding-DNA position 351, G replaced by A.
Molecular consequence: intron variant.
Genome position (GRCh38, 1-based): chr9:121,303,068, G>A. VCF-style: chr9-121303068-G-A. GRCh37 (hg19) VCF-style: chr9-124065346-G-A.
Other names: c.351+3G>A (NM_001353054.1, NM_001353053.1, NM_001353060.2 and 10 more transcripts); c.384+3G>A (NM_001353064.2, NM_001353066.2, NM_001353073.2 and 13 more transcripts); c.459+3G>A (NM_001127663.2); c.423+3G>A (NM_001353076.2); c.-304+3G>A (NM_001353078.2); c.402+3G>A (NM_001258029.2); c.375+3G>A (NM_001258030.2); c.504+3G>A (NM_000177.5).
Identifiers: ClinVar variation 2192388 (VCV002192388.4), dbSNP rs766817635, ClinGen allele CA5220841.
Genomic context (GRCh38, chr9:121,303,068, plus strand): 5'-CCAGGGCTTCGAGTCGGCCACCTTCCTAGGCTACTTCAAGTCTGGCCTGAAGTACAAGGT[G>A]GGTTGGGCCCCACCTTGCTTGAGCGGTAGGGACAGATGCACCAGTAACAGGGCTCACTCA-3'

ClinVar aggregate classification (germline): Uncertain significance (1 of 4 stars; one submission).

Allele frequency attached by ClinVar (database versions not stated): gnomAD 0.00001; gnomAD exomes 0.00001; TOPMed 0.00001; ExAC 0.00005.
gnomAD v4.1: 19 of 1,613,078 alleles (0.0012%); highest among the groups gnomAD compares: Admixed American, 0.02%; no homozygotes.

Submission:

Labcorp Genetics (formerly Invitae), Labcorp
Classification: Uncertain significance. Last evaluated: 2023-08-31. Review status: criteria provided, single submitter. Criteria: Invitae Variant Classification Sherloc (09022015). Collection method: clinical testing. Allele origin: germline.
Comment: This sequence change falls in intron 3 of the GSN gene. It does not directly change the encoded amino acid sequence of the GSN protein. It affects a nucleotide within the consensus splice site. This variant is present in population databases (rs766817635, gnomAD 0.03%). This variant has not been reported in the literature in individuals affected with GSN-related conditions. ClinVar contains an entry for this variant (Variation ID: 2192388). Variants that disrupt the consensus splice site are a relatively common cause of aberrant splicing (PMID: 17576681, 9536098). Algorithms developed to predict the effect of sequence changes on RNA splicing suggest that this variant is not likely to affect RNA splicing. In summary, the available evidence is currently insufficient to determine the role of this variant in disease. Therefore, it has been classified as a Variant of Uncertain Significance.

Literature cited by the submitters: PubMed 17576681; PubMed 9536098.